The following is an entry in ClinVar:

ClinVar aggregate classification (germline): Uncertain significance. Review status: criteria provided, multiple submitters, no conflicts (2 of 4 stars). 2 submissions from 2 submitters: Uncertain significance (2). Last evaluated 2024-01-19.

Conditions:
Familial adenomatous polyposis 2. Also called: Adenomas, multiple colorectal; MUTYH Polyposis; COLORECTAL ADENOMATOUS POLYPOSIS, AUTOSOMAL RECESSIVE; ADENOMAS, MULTIPLE COLORECTAL, AUTOSOMAL RECESSIVE; MUTYH-associated polyposis; MUTYH-related attenuated familial adenomatous polyposis. Identifiers: Orphanet 220460, Orphanet 247798, MedGen C3272841, MONDO:0012041, OMIM 608456.
Hereditary cancer-predisposing syndrome. Also called: Neoplastic Syndromes, Hereditary; Tumor predisposition; Hereditary Cancer Syndrome; Hereditary neoplastic syndrome. Identifiers: Orphanet 140162, MedGen C0027672, MeSH D009386, MONDO:0015356.

Submissions (2):

Labcorp Genetics (formerly Invitae), Labcorp
Classification: Uncertain significance for Familial adenomatous polyposis 2. Last evaluated: 2024-01-19. Review status: criteria provided, single submitter. Criteria: Invitae Variant Classification Sherloc (09022015). Collection method: clinical testing. Allele origin: germline.
Comment: This variant, c.128_130del, results in the deletion of 1 amino acid(s) of the MUTYH protein (p.Asn43del), but otherwise preserves the integrity of the reading frame. This variant is not present in population databases (gnomAD no frequency). This variant has not been reported in the literature in individuals affected with MUTYH-related conditions. ClinVar contains an entry for this variant (Variation ID: 920094). Experimental studies and prediction algorithms are not available or were not evaluated, and the functional significance of this variant is currently unknown. In summary, the available evidence is currently insufficient to determine the role of this variant in disease. Therefore, it has been classified as a Variant of Uncertain Significance.

Color Diagnostics, LLC DBA Color Health
Classification: Uncertain significance for Hereditary cancer-predisposing syndrome. Last evaluated: 2018-12-19. Review status: criteria provided, single submitter. Criteria: ACMG Guidelines, 2015. Collection method: clinical testing. Allele origin: germline.

NM_001048174.2(MUTYH):c.83ACA[1] (p.Asn29del)

Gene: MUTYH (mutY DNA glycosylase; minus strand). Cytogenetic location: 1p34.1.
Variant type: Microsatellite.
Coding change: c.83ACA[1] on transcript NM_001048174.2 (MANE Select); one copy of the 3-base unit ACA starting at c.83; the reference has two copies in a row; one copy, 3 bases deleted.
Protein change: p.Asn29del; deletes asparagine 29.
Molecular consequence: inframe deletion. On other transcripts: 5 prime UTR variant (4), non-coding transcript variant (2).
Genome position (GRCh38, 1-based): chr1:45,334,418-45,334,420, TGT deleted on the plus strand (ACA on the coding strand, the reverse complement: MUTYH is on the minus strand); deleting any 3 consecutive bases within chr1:45,334,418-45,334,424 gives the same sequence; the position shown is the placement nearest the transcript's 3' end. VCF-style (leftmost placement, unchanged base first): chr1-45334417-CTGT-C. GRCh37 (hg19) VCF-style: chr1-45800089-CTGT-C.
Other names: c.83ACA[1], p.Asn29del (NM_001048171.2, NM_001048172.2, NM_001048173.2 and 2 more transcripts); c.125ACA[1], p.Asn43del (NM_001128425.2, NM_001293190.2, NM_012222.3); c.-130ACA[1] (NM_001293192.2, NM_001293196.2); c.-189ACA[1] (NM_001350650.2); c.-125ACA[1] (NM_001350651.2); short protein forms N29del, N43del.
Identifiers: ClinVar variation 920094 (VCV000920094.3), dbSNP rs1645564054, ClinGen allele CA913187568.